The following is an entry in ClinVar:

NM_000053.4(ATP7B):c.1285+5G>A

Gene: ATP7B (ATPase copper transporting beta; minus strand). Cytogenetic location: 13q14.3.
Variant type: single nucleotide variant.
Coding change: c.1285+5G>A on transcript NM_000053.4 (MANE Select); 5 bases into the intron after coding-DNA position 1285, G replaced by A.
Molecular consequence: intron variant.
Genome position (GRCh38, 1-based): chr13:51,973,930, C>T on the plus strand (G>A on the coding strand, the complement: ATP7B is on the minus strand). VCF-style: chr13-51973930-C-T. GRCh37 (hg19) VCF-style: chr13-52548066-C-T.
Other names: c.952+5G>A (NM_001243182.2); c.1285+5G>A (NM_001005918.3, NM_001330579.2, NM_001330578.2).
Identifiers: ClinVar variation 2191050 (VCV002191050.1), dbSNP rs370579582, ClinGen allele CA610425831.

ClinVar aggregate classification (germline): Uncertain significance (1 of 4 stars; one submission).

Conditions:
Wilson disease (WND). Also called: Wilson's disease. Identifiers: Orphanet 905, MedGen C0019202, MONDO:0010200, OMIM 277900. Disease mechanism: loss of function.

gnomAD v4.1: 6 of 1,614,242 alleles (0.00037%); highest among the groups gnomAD compares: African/African-American, 0.0013%; no homozygotes.

Submission:

Labcorp Genetics (formerly Invitae), Labcorp
Classification: Uncertain significance for Wilson disease. Last evaluated: 2022-04-22. Review status: criteria provided, single submitter. Criteria: Invitae Variant Classification Sherloc (09022015). Collection method: clinical testing. Allele origin: germline.
Comment: This sequence change falls in intron 2 of the ATP7B gene. It does not directly change the encoded amino acid sequence of the ATP7B protein. It affects a nucleotide within the consensus splice site. This variant is present in population databases (no rsID available, gnomAD 0.007%). This variant has not been reported in the literature in individuals affected with ATP7B-related conditions. Variants that disrupt the consensus splice site are a relatively common cause of aberrant splicing (PMID: 17576681, 9536098). Algorithms developed to predict the effect of sequence changes on RNA splicing suggest that this variant may disrupt the consensus splice site. In summary, the available evidence is currently insufficient to determine the role of this variant in disease. Therefore, it has been classified as a Variant of Uncertain Significance.

Literature cited by the submitters: PubMed 17576681; PubMed 9536098.